The following is an entry in ClinVar:

ClinVar aggregate classification (germline): Uncertain significance. Review status: criteria provided, multiple submitters, no conflicts (2 of 4 stars). 4 submissions from 4 submitters: Uncertain significance (4). Last evaluated 2024-04-22.

Conditions:
Dyskeratosis congenita, autosomal dominant 2. Identifiers: MedGen C3151443, MONDO:0013521, OMIM 613989.
Idiopathic Pulmonary Fibrosis. Also called: Idiopathic fibrosing alveolitis, chronic form; idiopathic fibrosing alveolitis. Identifiers: Orphanet 2032, MedGen C1800706, MeSH D054990, MONDO:0800504.
Dyskeratosis congenita. Identifiers: Orphanet 1775, MedGen C0265965, MONDO:0015780.

Allele frequency attached by ClinVar (database versions not stated): TOPMed below 0.00001; gnomAD exomes 0.00001.
gnomAD v4.1: 3 of 1,574,552 alleles (0.00019%); highest among the groups gnomAD compares: Non-Finnish European, 0.00026%; no homozygotes.

Submissions (4):

GeneDx
Classification: Uncertain significance. Last evaluated: 2024-04-22. Review status: criteria provided, single submitter. Criteria: GeneDx Variant Classification Process June 2021. Collection method: clinical testing. Allele origin: germline. Affected: yes.
Comment: Not observed at significant frequency in large population cohorts (gnomAD); In silico analysis indicates that this missense variant does not alter protein structure/function; Has not been previously published as pathogenic or benign to our knowledge

Ambry Genetics
Classification: Uncertain significance for Dyskeratosis congenita. Last evaluated: 2022-02-17. Review status: criteria provided, single submitter. Criteria: Ambry Variant Classification Scheme 2023. Collection method: clinical testing. Allele origin: germline.
Comment: The p.G398E variant (also known as c.1193G>A), located in coding exon 2 of the TERT gene, results from a G to A substitution at nucleotide position 1193. The glycine at codon 398 is replaced by glutamic acid, an amino acid with similar properties. This amino acid position is conserved. In addition, this alteration is predicted to be tolerated by in silico analysis. Since supporting evidence is limited at this time, the clinical significance of this alteration remains unclear.

Labcorp Genetics (formerly Invitae), Labcorp
Classification: Uncertain significance for Dyskeratosis congenita, autosomal dominant 2; Idiopathic Pulmonary Fibrosis. Last evaluated: 2021-09-01. Review status: criteria provided, single submitter. Criteria: Invitae Variant Classification Sherloc (09022015). Collection method: clinical testing. Allele origin: germline.
Comment: This sequence change replaces glycine with glutamic acid at codon 398 of the TERT protein (p.Gly398Glu). The glycine residue is weakly conserved and there is a moderate physicochemical difference between glycine and glutamic acid. This variant is not present in population databases (ExAC no frequency). This variant has not been reported in the literature in individuals affected with TERT-related conditions. Algorithms developed to predict the effect of missense changes on protein structure and function output the following: SIFT: "Tolerated"; PolyPhen-2: "Benign"; Align-GVGD: "Class C0". The glutamic acid amino acid residue is found in multiple mammalian species, which suggests that this missense change does not adversely affect protein function. In summary, the available evidence is currently insufficient to determine the role of this variant in disease. Therefore, it has been classified as a Variant of Uncertain Significance.

Blueprint Genetics
Classification: Uncertain significance. Last evaluated: 2019-08-14. Review status: criteria provided, single submitter. Criteria: ACMG Guidelines, 2015. Collection method: clinical testing. Allele origin: germline.

NM_198253.3(TERT):c.1193G>A (p.Gly398Glu)

Gene: TERT (telomerase reverse transcriptase; minus strand). Cytogenetic location: 5p15.33.
Variant type: single nucleotide variant.
Coding change: c.1193G>A on transcript NM_198253.3 (MANE Select); coding-DNA position 1193, G replaced by A.
Protein change: p.Gly398Glu; replaces glycine 398 with glutamic acid.
Molecular consequence: missense variant. On other transcripts: non-coding transcript variant (2).
Genome position (GRCh38, 1-based): chr5:1,293,693, C>T on the plus strand (G>A on the coding strand, the complement: TERT is on the minus strand). VCF-style: chr5-1293693-C-T. GRCh37 (hg19) VCF-style: chr5-1293808-C-T.
Other names: c.1193G>A, p.Gly398Glu (NM_001193376.3); short protein forms G398E.
Identifiers: ClinVar variation 539222 (VCV000539222.10), dbSNP rs1554042874, ClinGen allele CA359086587.